The following is an entry in ClinVar:

NM_032830.3(UTP4):c.1183T>C (p.Cys395Arg)

Gene: UTP4 (UTP4 small subunit processome component). Cytogenetic location: 16q22.1.
Variant type: single nucleotide variant.
Coding change: c.1183T>C on transcript NM_032830.3 (MANE Select); coding-DNA position 1183, T replaced by C.
Protein change: p.Cys395Arg; replaces cysteine 395 with arginine.
Molecular consequence: missense variant.
Genome position (GRCh38, 1-based): chr16:69,155,889, T>C. VCF-style: chr16-69155889-T-C. GRCh37 (hg19) VCF-style: chr16-69189792-T-C.
Other names: c.934T>C, p.Cys312Arg (NM_001318391.2); short protein forms C395R, C312R.
Identifiers: ClinVar variation 885208 (VCV000885208.9), dbSNP rs138998503, ClinGen allele CA8132341.

ClinVar aggregate classification (germline): Conflicting classifications of pathogenicity. Review status: criteria provided, conflicting classifications (1 of 4 stars). 3 submissions from 3 submitters: Uncertain significance (1); Likely benign (1). 1 of the submissions does not count toward it. Last evaluated 2025-10-12.

Conditions:
Hereditary North American Indian childhood cirrhosis. Identifiers: Orphanet 168583, MedGen C1858051, MONDO:0011497, OMIM 604901.
UTP4-related disorder. Also called: UTP4-related condition.

Allele frequency attached by ClinVar (database versions not stated): ExAC 0.00094; TOPMed 0.00100; gnomAD exomes 0.00103 and 0.00143; gnomAD 0.00105 and 0.00106; ESP Exome Variant Server 0.00146.
gnomAD v4.1: 2,251 of 1,614,136 alleles (0.14%); highest among the groups gnomAD compares: Non-Finnish European, 0.16%; 2 homozygotes.

Submissions (3):

Labcorp Genetics (formerly Invitae), Labcorp
Classification: Likely benign. Last evaluated: 2025-10-12. Review status: criteria provided, single submitter. Criteria: Invitae Variant Classification Sherloc (09022015). Collection method: clinical testing. Allele origin: germline.

Illumina Laboratory Services, Illumina
Classification: Uncertain significance for Hereditary North American Indian childhood cirrhosis. Last evaluated: 2018-01-13. Review status: criteria provided, single submitter. Criteria: ICSL Variant Classification Criteria 13 December 2019. Collection method: clinical testing. Allele origin: germline.

PreventionGenetics, part of Exact Sciences
Classification: Likely benign for UTP4-related condition. Last evaluated: 2022-09-11. Review status: no assertion criteria provided. Collection method: clinical testing. Allele origin: germline. Not counted in ClinVar's aggregate classification.
Comment: This variant is classified as likely benign based on ACMG/AMP sequence variant interpretation guidelines (Richards et al. 2015 PMID: 25741868, with internal and published modifications).